The following is an entry in ClinVar:

NM_004260.4(RECQL4):c.695C>T (p.Ala232Val)

Gene: RECQL4 (RecQ like helicase 4; minus strand). Cytogenetic location: 8q24.3.
Variant type: single nucleotide variant.
Coding change: c.695C>T on transcript NM_004260.4 (MANE Select); coding-DNA position 695, C replaced by T.
Protein change: p.Ala232Val; replaces alanine 232 with valine.
Molecular consequence: missense variant. On other transcripts: 5 prime UTR variant (15), non-coding transcript variant (3), intron variant (3).
Genome position (GRCh38, 1-based): chr8:144,516,424, G>A on the plus strand (C>T on the coding strand, the complement: RECQL4 is on the minus strand). VCF-style: chr8-144516424-G-A. GRCh37 (hg19) VCF-style: chr8-145741808-G-A.
Other names: c.695C>T, p.Ala232Val (NM_001413017.1, NM_001413018.1, NM_001413019.1 and 4 more transcripts); c.-377C>T (NM_001413022.1, NM_001413023.1, NM_001413024.1 and 5 more transcripts); c.566C>T, p.Ala189Val (NM_001413025.1); c.-439C>T (NM_001413027.1, NM_001413030.1, NM_001413031.1 and 2 more transcripts); c.-281C>T (NM_001413034.1); c.-646C>T (NM_001413043.1); c.355-11C>T (NM_001413029.1); c.-366-11C>T (NM_001413021.1, NM_001413028.1); short protein forms A189V, A232V.
Identifiers: ClinVar variation 2770612 (VCV002770612.3), dbSNP rs1789584780, ClinGen allele CA372689649.
Genomic context (GRCh38, chr8:144,516,424, plus strand): 5'-GGGCTCCCCACACGGATGCTGACTTCTTGGAAGGCTGAAGCCTCTGGGCCCTGGGAGCCA[G>A]CACCAGGACCAAGGACAGCCGACTCACCAGGGATCAGAAGTTGTGATTCCTCTGAGCCTA-3'
Protein context (NP_004251.4, residues 222-242): PGESAVLGPG[Ala232Val]GSQGPEASAF

ClinVar aggregate classification (germline): Uncertain significance (1 of 4 stars; one submission).

Conditions:
Baller-Gerold syndrome (BGS). Also called: CRANIOSYNOSTOSIS WITH RADIAL DEFECTS. Identifiers: Orphanet 1225, MedGen C0265308, MONDO:0009039, OMIM 218600.

Allele frequency attached by ClinVar (database versions not stated): gnomAD exomes below 0.00001; TOPMed below 0.00001.
gnomAD v4.1: 1 of 1,609,166 alleles (0.000062%); highest among the groups gnomAD compares: Non-Finnish European, 0.000085%; no homozygotes.

Submission:

Labcorp Genetics (formerly Invitae), Labcorp
Classification: Uncertain significance for Baller-Gerold syndrome. Last evaluated: 2023-08-02. Review status: criteria provided, single submitter. Criteria: Invitae Variant Classification Sherloc (09022015). Collection method: clinical testing. Allele origin: germline.
Comment: In summary, the available evidence is currently insufficient to determine the role of this variant in disease. Therefore, it has been classified as a Variant of Uncertain Significance. Algorithms developed to predict the effect of sequence changes on RNA splicing suggest that this variant may create or strengthen a splice site. Advanced modeling of protein sequence and biophysical properties (such as structural, functional, and spatial information, amino acid conservation, physicochemical variation, residue mobility, and thermodynamic stability) performed at Invitae indicates that this missense variant is not expected to disrupt RECQL4 protein function. This variant has not been reported in the literature in individuals affected with RECQL4-related conditions. This variant is not present in population databases (gnomAD no frequency). This sequence change replaces alanine, which is neutral and non-polar, with valine, which is neutral and non-polar, at codon 232 of the RECQL4 protein (p.Ala232Val).